The following is an entry in ClinVar:

ClinVar aggregate classification (germline): Uncertain significance. Review status: criteria provided, multiple submitters, no conflicts (2 of 4 stars). 2 submissions from 2 submitters: Uncertain significance (2). Last evaluated 2022-11-02.

Conditions:
Inborn genetic diseases. Identifiers: MedGen C0950123, MeSH D030342.

gnomAD v4.1: 25 of 1,614,070 alleles (0.0015%); highest among the groups gnomAD compares: Non-Finnish European, 0.002%; no homozygotes.

Submissions (2):

Labcorp Genetics (formerly Invitae), Labcorp
Classification: Uncertain significance. Last evaluated: 2022-11-02. Review status: criteria provided, single submitter. Criteria: Invitae Variant Classification Sherloc (09022015). Collection method: clinical testing. Allele origin: germline.
Comment: In summary, the available evidence is currently insufficient to determine the role of this variant in disease. Therefore, it has been classified as a Variant of Uncertain Significance. Algorithms developed to predict the effect of missense changes on protein structure and function (SIFT, PolyPhen-2, Align-GVGD) all suggest that this variant is likely to be tolerated. ClinVar contains an entry for this variant (Variation ID: 1363131). This variant has not been reported in the literature in individuals affected with TRAK1-related conditions. This variant is present in population databases (rs368474947, gnomAD 0.004%). This sequence change replaces valine, which is neutral and non-polar, with leucine, which is neutral and non-polar, at codon 458 of the TRAK1 protein (p.Val458Leu).

Ambry Genetics
Classification: Uncertain significance for Inborn genetic diseases. Last evaluated: 2021-05-01. Review status: criteria provided, single submitter. Criteria: Ambry Variant Classification Scheme 2023. Collection method: clinical testing. Allele origin: germline.

NM_001042646.3(TRAK1):c.1372G>C (p.Val458Leu)

Gene: TRAK1 (trafficking kinesin protein 1; plus strand). Cytogenetic location: 3p22.1.
Variant type: single nucleotide variant.
Coding change: c.1372G>C on transcript NM_001042646.3 (MANE Select); coding-DNA position 1372, G replaced by C.
Protein change: p.Val458Leu; replaces valine 458 with leucine.
Molecular consequence: missense variant. On other transcripts: non-coding transcript variant (1).
Genome position (GRCh38, 1-based): chr3:42,200,999, G>C. VCF-style: chr3-42200999-G-C. GRCh37 (hg19) VCF-style: chr3-42242491-G-C.
Other names: c.1372G>C, p.Val458Leu (NM_001265608.2, NM_001349246.2, NM_001349247.2); c.1150G>C, p.Val384Leu (NM_001265609.2, NM_001265610.1, NM_001349248.1 and 1 more transcripts); c.1060G>C, p.Val354Leu (NM_001349245.1); c.1198G>C, p.Val400Leu (NM_014965.5); c.1372G>C (NM_001042646.1); short protein forms V384L, V354L, V400L, V458L.
Identifiers: ClinVar variation 1363131 (VCV001363131.7), dbSNP rs368474947, ClinGen allele CA2333464.
Genomic context (GRCh38, chr3:42,200,999, plus strand): 5'-CTGTCCAGCTGCGTCAGCACCCCCCGGTCCAGCTTCTACGGCAGCGACATAGGCAACGTC[G>C]TCCTCGACAACAAGACCAACAGCATCATTCTGGAAACAGAGGCAGCCGACCTGGGGTGAG-3'
Protein context (NP_001036111.1, residues 448-468): SFYGSDIGNV[Val458Leu]LDNKTNSIIL